The following is an entry in ClinVar:

NM_000059.4(BRCA2):c.5073dup (p.Trp1692fs)

Gene: BRCA2 (BRCA2 DNA repair associated; plus strand). Cytogenetic location: 13q13.1.
Variant type: Duplication.
Coding change: c.5073dup on transcript NM_000059.4 (MANE Select); coding-DNA position 5073, one base duplicated (A; older notation c.5073dupA).
Protein change: p.Trp1692fs; shifts the reading frame from tryptophan 1692.
Genome position (GRCh38, 1-based): chr13:32,339,428, A duplicated; the last of 7 consecutive A bases (chr13:32,339,422-32,339,428); duplicating any one gives the same sequence. VCF-style (leftmost placement, unchanged base first): chr13-32339421-C-CA. GRCh37 (hg19) VCF-style: chr13-32913558-C-CA.
Other names: 5301_5302insA; p.Trp1692MetfsX3; p.Trp1692fs; 5301insA; c.5073dupA (NM_000059.3); short protein forms W1692fs.
Identifiers: ClinVar variation 37943 (VCV000037943.148), dbSNP rs80359479, ClinGen allele CA021207.

ClinVar aggregate classification (germline): Pathogenic. Review status: reviewed by expert panel (3 of 4 stars). 57 submissions from 57 submitters: Pathogenic (1). 56 of the submissions do not count toward it. Last evaluated 2016-04-22.

Conditions:
Fanconi anemia complementation group D1. Also called: BRCA2-Related Fanconi Anemia. Identifiers: Orphanet 319462, MedGen C1838457, MONDO:0011584, OMIM 605724.
Hereditary breast ovarian cancer syndrome. Also called: Hereditary breast and ovarian cancer; Breast and ovarian cancer; Hereditary breast and/or ovarian cancer syndrome; Hereditary breast and ovarian cancer syndrome (HBOC); Hereditary breast and ovarian cancer syndrome; BRCA1- and BRCA2-Associated Hereditary Breast and Ovarian Cancer. Identifiers: Orphanet 145, MedGen C0677776, MeSH D061325, MONDO:0003582. Disease mechanism: loss of function.
BRCA2-related cancer predisposition. Identifiers: MedGen CN377758, MONDO:0700269.
Gastric cancer. Also called: Malignant tumor of stomach; Stomach cancer. Identifiers: MedGen C0024623, MeSH D013274, MONDO:0001056, OMIM 613659, HP:0012126.
Inherited breast cancer and ovarian cancer.
Hereditary cancer-predisposing syndrome. Also called: Neoplastic Syndromes, Hereditary; Tumor predisposition; Hereditary Cancer Syndrome; Hereditary neoplastic syndrome. Identifiers: Orphanet 140162, MedGen C0027672, MeSH D009386, MONDO:0015356.
BRCA2-related disorder. Also called: BRCA2-related condition; BRCA2-related disorders. Identifiers: MedGen CN239275.
Breast and/or ovarian cancer. Identifiers: MedGen CN221562.
Familial cancer of breast. Also called: BREAST CANCER, FAMILIAL; Hereditary breast cancer; hereditary breast carcinoma. Identifiers: Orphanet 227535, MedGen C0346153, MONDO:0016419, OMIM 114480. Disease mechanism: loss of function.
Glioma susceptibility 3 (GLM3). Also called: Glioblastoma 3. Identifiers: Orphanet 182067, Orphanet 360, MedGen C2751641, MONDO:0013093, OMIM 613029.
Pancreatic cancer, susceptibility to, 2. Identifiers: Orphanet 1333, MedGen C3150546, MONDO:0013235, OMIM 613347.
Wilms tumor 1 (WT1). Also called: Wilms tumor, somatic. Identifiers: Orphanet 654, MedGen CN033288, MONDO:0008679, OMIM 194070.
Prostate cancer. Also called: Malignant tumor of prostate. Identifiers: Orphanet 1331, MedGen C0376358, MONDO:0008315, HP:0012125.
Medulloblastoma (MDB). Also called: MEDULLOBLASTOMA PREDISPOSITION SYNDROME; Medulloblastoma, somatic. Identifiers: Orphanet 616, MedGen C0025149, MeSH D008527, MONDO:0007959, OMIM 155255, HP:0002885.
Breast-ovarian cancer, familial, susceptibility to, 2 (BROVCA2). Also called: BRCA2 Hereditary Breast and Ovarian Cancer. Identifiers: Orphanet 145, MedGen C2675520, MONDO:0012933, OMIM 612555. Disease mechanism: loss of function.
Carcinoma of pancreas. Also called: Pancreatic cancer, somatic; Pancreatic carcinoma, somatic; PANCREATIC ACINAR CARCINOMA; PANCREATIC CARCINOMA; Exocrine pancreatic carcinoma. Identifiers: Orphanet 1333, Orphanet 217074, MedGen C0235974, MONDO:0005192. Disease mechanism: loss of function.
Breast-ovarian cancer, familial, susceptibility to, 1 (BROVCA1). Also called: OVARIAN CANCER, SUSCEPTIBILITY TO; BRCA1 Hereditary Breast and Ovarian Cancer. Identifiers: Orphanet 145, MedGen C2676676, MONDO:0011450, OMIM 604370. Disease mechanism: loss of function.

Submissions 1 to 9 of 57:

Evidence-based Network for the Interpretation of Germline Mutant Alleles (ENIGMA)
Classification: Pathogenic for Breast-ovarian cancer, familial, susceptibility to, 2. Last evaluated: 2016-04-22. Review status: reviewed by expert panel. Criteria: ENIGMA BRCA1/2 Classification Criteria (2015). Collection method: curation. Allele origin: germline.
Comment: Variant allele predicted to encode a truncated non-functional protein.

Cambridge Genomics Laboratory, East Genomic Laboratory Hub, NHS Genomic Medicine Service
Classification: Pathogenic for Inherited breast cancer and ovarian cancer. Last evaluated: 2026-09-16. Review status: criteria provided, single submitter. Criteria: ACGS Best Practice Guidelines for Variant Classification in Rare Disease 2020. Collection method: clinical testing. Allele origin: germline. Affected: yes. Not counted in ClinVar's aggregate classification.
Comment: PVS1,PM5_Strong

Labcorp Genetics (formerly Invitae), Labcorp
Classification: Pathogenic for Hereditary breast ovarian cancer syndrome. Last evaluated: 2026-01-20. Review status: criteria provided, single submitter. Criteria: Invitae Variant Classification Sherloc (09022015). Collection method: clinical testing. Allele origin: germline. Not counted in ClinVar's aggregate classification.
Comment: This sequence change creates a premature translational stop signal (p.Trp1692Metfs*3) in the BRCA2 gene. It is expected to result in an absent or disrupted protein product. Loss-of-function variants in BRCA2 are known to be pathogenic (PMID: 20104584). The frequency data for this variant in the population databases is considered unreliable, as metrics indicate poor data quality at this position in the gnomAD database. This premature translational stop signal has been observed in individual(s) with breast and/or ovarian cancer, pancreatic cancer, and Fanconi anemia (PMID: 10923033, 11179017, 14559878, 16683254, 22144684, 25479140, 26787237). This variant is also known as 5301insA, 5302insA, and c.5066_5067insA. ClinVar contains an entry for this variant (Variation ID: 37943). For these reasons, this variant has been classified as Pathogenic.

PreventionGenetics, part of Exact Sciences
Classification: Pathogenic for BRCA2-related condition. Last evaluated: 2026-01-09. Review status: criteria provided, single submitter. Criteria: ACMG Guidelines, 2015. Collection method: clinical testing. Allele origin: germline. Not counted in ClinVar's aggregate classification.
Comment: The BRCA2 c.5073dupA variant is predicted to result in a frameshift and premature protein termination (p.Trp1692Metfs*3). This variant is also referred to as 5301insA, 5302insA, or c.5066_5067insA in the literature. This variant has been reported in individuals with breast and ovarian cancer (see, for example, Risch et al. 2001. PubMed ID: 11179017; de Juan et al. 2015. PubMed ID: 26026974; Barrios et al. 2017. PubMed ID: 28477318; Supplementary Table 5, Bhaskaran et al. 2019. PubMed ID: 30702160), including one individual in whom it occurred de novo (Marshall et al. 2009. PubMed ID: 19796187). It has also been reported in individuals with Fanconi anemia or pancreatic cancer (Offit et al. 2003. PubMed ID: 14559878; Grant et al. 2015. PubMed ID: 25479140). This variant is reported in 0.011% of alleles in individuals of Ashkenazi Jewish descent in gnomAD. Frameshift variants in BRCA2 are expected to be pathogenic, and this variant has been classified as pathogenic by an expert panel and many clinical labs in the ClinVar database (Variation ID: 37943). We interpret this variant as pathogenic.

Center for Genomic Medicine, Rigshospitalet, Copenhagen University Hospital
Classification: Pathogenic. Last evaluated: 2025-12-29. Review status: criteria provided, single submitter. Criteria: ACMG Guidelines, 2015. Collection method: clinical testing. Allele origin: germline. Not counted in ClinVar's aggregate classification.

Variantyx, Inc.
Classification: Pathogenic for Breast-ovarian cancer, familial, susceptibility to, 2. Last evaluated: 2025-12-16. Review status: criteria provided, single submitter. Criteria: Variantyx Assertion Criteria 2022. Collection method: clinical testing. Allele origin: germline. Inheritance: Autosomal dominant inheritance. Affected: yes. Not counted in ClinVar's aggregate classification.
Comment: This is a frameshift variant in the BRCA2 gene (OMIM: 600185). Pathogenic variants in this gene have been associated with autosomal dominant susceptibility to familial breast ovarian cancer 2. This variant introduces a premature termination codon in exon 11 out of 27. Other premature truncation variants in this exon have been reported to be pathogenic (PM5_PTC_Strong) (PMID:39142283) and the variant is expected to result in loss of function, which is a known disease mechanism for BRCA2 in this disorder (PMID: 20301425) (PVS1)This variant has been identified in multiple individuals affected with BRCA-2 related cancers (PMID: 26026974, 26187060, 27443514, 28176296, 28486781, 28993434, 29907814, 39029294), while it has a 0.0043% maximum allele frequency in non-founder control populations. Other reputable laboratories have reported this variant as pathogenic, and this classification has been validated by an expert panel in ClinVar.¬Based on the current evidence, this variant is classified as pathogenic for autosomal dominant susceptibility to familial breast-ovarian cancer 2.

Institute of Human Genetics, FAU Erlangen, Friedrich-Alexander-Universität Erlangen-Nürnberg
Classification: Pathogenic. Last evaluated: 2025-10-16. Review status: criteria provided, single submitter. Criteria: Hauer et al. (Genet Med. 2018). Collection method: clinical testing. Allele origin: germline. Inheritance: Unknown mechanism. Affected: yes. Observed: 1 variant allele. Not counted in ClinVar's aggregate classification.
Comment: This variant has been identified by standard clinical testing. Selected ACMG criteria: Pathogenic (I):PP5;PM2;PVS1

Genetics Laboratory, Great Ormond Street Hospital NHS Foundation Trust, North Thames Genomic Laboratory Hub
Classification: Pathogenic for Inherited breast cancer and ovarian cancer. Last evaluated: 2025-08-01. Review status: criteria provided, single submitter. Criteria: CanVIG BRCA Gene Specific V1.22. Collection method: clinical testing. Allele origin: germline. Affected: yes. Not counted in ClinVar's aggregate classification.
Comment: PS4_very-strong, PVS1_very-strong, PM5_strong

Dasa
Classification: Pathogenic for Breast-ovarian cancer, familial, susceptibility to, 2. Last evaluated: 2025-07-14. Review status: criteria provided, single submitter. Criteria: DASA Assertion Criteria. Collection method: clinical testing. Allele origin: germline. Not counted in ClinVar's aggregate classification.
Comment: NM_000059.4(BRCA2):c.5073dup (p.Trp1692MetfsTer3) is a frameshift variant in BRCA2 predicted to alter the reading frame and introduce a premature termination codon and is predicted to result in an absent or altered protein product. Loss of function is an established disease mechanism for BRCA2 (PMID: 16199546; PMID: 17063271; PMID: 25632310). The affected residue or protein region has prior evidence supporting clinical relevance. This variant has been reported in individuals with Breast-ovarian cancer, familial, susceptibility to, 2 (PMID: 29446198). Segregation data support an association with disease in the reported family/families (PMID: 29446198). Also, this variant is rare in population databases. Based on the currently available evidence, this variant is classified as pathogenic.